The following is an entry in ClinVar:

ClinVar aggregate classification (germline): Uncertain significance (1 of 4 stars; one submission).

Conditions:
Rubinstein-Taybi syndrome due to EP300 haploinsufficiency. Also called: EP300-Related Rubinstein-Taybi Syndrome; RUBINSTEIN-TAYBI SYNDROME 2. Identifiers: Orphanet 353284, Orphanet 783, MedGen C3150941, MONDO:0013364, OMIM 613684.

gnomAD v4.1: 5 of 1,614,142 alleles (0.00031%); highest among the groups gnomAD compares: Non-Finnish European, 0.00034%; no homozygotes.

Submission:

Labcorp Genetics (formerly Invitae), Labcorp
Classification: Uncertain significance for Rubinstein-Taybi syndrome due to EP300 haploinsufficiency. Last evaluated: 2024-10-15. Review status: criteria provided, single submitter. Criteria: Invitae Variant Classification Sherloc (09022015). Collection method: clinical testing. Allele origin: germline.
Comment: This sequence change replaces asparagine, which is neutral and polar, with serine, which is neutral and polar, at codon 1776 of the EP300 protein (p.Asn1776Ser). This variant is present in population databases (no rsID available, gnomAD 0.0009%). This variant has not been reported in the literature in individuals affected with EP300-related conditions. Invitae Evidence Modeling of protein sequence and biophysical properties (such as structural, functional, and spatial information, amino acid conservation, physicochemical variation, residue mobility, and thermodynamic stability) indicates that this missense variant is not expected to disrupt EP300 protein function with a negative predictive value of 80%. In summary, the available evidence is currently insufficient to determine the role of this variant in disease. Therefore, it has been classified as a Variant of Uncertain Significance.

NM_001429.4(EP300):c.5327A>G (p.Asn1776Ser)

Gene: EP300 (EP300 lysine acetyltransferase; plus strand). Cytogenetic location: 22q13.2.
Variant type: single nucleotide variant.
Coding change: c.5327A>G on transcript NM_001429.4 (MANE Select); coding-DNA position 5327, A replaced by G.
Protein change: p.Asn1776Ser; replaces asparagine 1776 with serine.
Molecular consequence: missense variant.
Genome position (GRCh38, 1-based): chr22:41,177,038, A>G. VCF-style: chr22-41177038-A-G. GRCh37 (hg19) VCF-style: chr22-41573042-A-G.
Other names: c.5249A>G, p.Asn1750Ser (NM_001362843.2); short protein forms N1750S, N1776S.
Identifiers: ClinVar variation 3606090 (VCV003606090.2).